The following is an entry in ClinVar:

NM_000138.5(FBN1):c.8444T>A (p.Leu2815His)

Gene: FBN1 (fibrillin 1; minus strand). Cytogenetic location: 15q21.1.
Variant type: single nucleotide variant.
Coding change: c.8444T>A on transcript NM_000138.5 (MANE Select); coding-DNA position 8444, T replaced by A.
Protein change: p.Leu2815His; replaces leucine 2815 with histidine.
Molecular consequence: missense variant.
Genome position (GRCh38, 1-based): chr15:48,411,162, A>T on the plus strand (T>A on the coding strand, the complement: FBN1 is on the minus strand). VCF-style: chr15-48411162-A-T. GRCh37 (hg19) VCF-style: chr15-48703359-A-T.
Other names: short protein forms L2815H.
Identifiers: ClinVar variation 949976 (VCV000949976.9), dbSNP rs113170280, ClinGen allele CA269518597.

ClinVar aggregate classification (germline): Likely pathogenic (1 of 4 stars; one submission).

Conditions:
Familial thoracic aortic aneurysm and aortic dissection (TAAD). Also called: Thoracic aortic aneurysms and dissections. Identifiers: Orphanet 91387, MedGen C4707243, MONDO:0019625.
Marfan syndrome (MFS). Also called: Marfan syndrome, classic; Marfan syndrome type 1; Marfan's syndrome; FBN1-Related Marfan Syndrome; MARFAN SYNDROME, TYPE I. Identifiers: Orphanet 284963, Orphanet 558, MedGen C0024796, MONDO:0007947, OMIM 154700.

Submission:

Labcorp Genetics (formerly Invitae), Labcorp
Classification: Likely pathogenic for Marfan syndrome; Familial thoracic aortic aneurysm and aortic dissection. Last evaluated: 2025-05-26. Review status: criteria provided, single submitter. Criteria: Invitae Variant Classification Sherloc (09022015). Collection method: clinical testing. Allele origin: germline.
Comment: This sequence change replaces leucine, which is neutral and non-polar, with histidine, which is basic and polar, at codon 2815 of the FBN1 protein (p.Leu2815His). This variant is not present in population databases (gnomAD no frequency). This missense change has been observed in individuals with FBN1-related conditions (internal data). ClinVar contains an entry for this variant (Variation ID: 949976). Invitae Evidence Modeling of protein sequence and biophysical properties (such as structural, functional, and spatial information, amino acid conservation, physicochemical variation, residue mobility, and thermodynamic stability) indicates that this missense variant is expected to disrupt FBN1 protein function with a positive predictive value of 95%. This variant disrupts the p.Leu2815 amino acid residue in FBN1. Other variant(s) that disrupt this residue have been observed in individuals with FBN1-related conditions (internal data), which suggests that this may be a clinically significant amino acid residue. In summary, the currently available evidence indicates that the variant is pathogenic, but additional data are needed to prove that conclusively. Therefore, this variant has been classified as Likely Pathogenic.